The following is an entry in ClinVar:

NM_003859.3(DPM1):c.692T>C (p.Phe231Ser)

Genes: ADNP-AS1 (ADNP antisense RNA 1; plus strand), DPM1 (dolichyl-phosphate mannosyltransferase subunit 1, catalytic; minus strand). Cytogenetic location: 20q13.13.
Variant type: single nucleotide variant.
Coding change: c.692T>C on transcript NM_003859.3 (MANE Select); coding-DNA position 692, T replaced by C.
Protein change: p.Phe231Ser; replaces phenylalanine 231 with serine.
Molecular consequence: missense variant. On other transcripts: non-coding transcript variant (1).
Genome position (GRCh38, 1-based): chr20:50,935,223, A>G on the plus strand (T>C on the coding strand, the complement: DPM1 is on the minus strand). VCF-style: chr20-50935223-A-G. GRCh37 (hg19) VCF-style: chr20-49551760-A-G.
Other names: c.797T>C, p.Phe266Ser (NM_001317034.1); c.773T>C, p.Phe258Ser (NM_001317035.1); c.623T>C, p.Phe208Ser (NM_001317036.1); short protein forms F266S, F208S, F231S, F258S.
Identifiers: ClinVar variation 1497215 (VCV001497215.6), dbSNP rs2123056867, ClinGen allele CA408987202.

ClinVar aggregate classification (germline): Uncertain significance (1 of 4 stars; one submission).

Conditions:
Congenital disorder of glycosylation type 1E (CDG1E). Also called: CDG Ie; CONGENITAL DISORDER OF GLYCOSYLATION, TYPE Ie. Identifiers: Orphanet 79322, MedGen C1837396, MONDO:0012123, OMIM 608799.

Submission:

Labcorp Genetics (formerly Invitae), Labcorp
Classification: Uncertain significance for Congenital disorder of glycosylation type 1E. Last evaluated: 2022-07-12. Review status: criteria provided, single submitter. Criteria: Invitae Variant Classification Sherloc (09022015). Collection method: clinical testing. Allele origin: germline.
Comment: In summary, the available evidence is currently insufficient to determine the role of this variant in disease. Therefore, it has been classified as a Variant of Uncertain Significance. Algorithms developed to predict the effect of missense changes on protein structure and function are either unavailable or do not agree on the potential impact of this missense change (SIFT: "Deleterious"; PolyPhen-2: "Probably Damaging"; Align-GVGD: "Class C0"). ClinVar contains an entry for this variant (Variation ID: 1497215). This variant has not been reported in the literature in individuals affected with DPM1-related conditions. This variant is not present in population databases (gnomAD no frequency). This sequence change replaces phenylalanine, which is neutral and non-polar, with serine, which is neutral and polar, at codon 231 of the DPM1 protein (p.Phe231Ser).